The following is an entry in ClinVar:

ClinVar aggregate classification (germline): Uncertain significance. Review status: criteria provided, multiple submitters, no conflicts (2 of 4 stars). 2 submissions from 2 submitters: Uncertain significance (2). Last evaluated 2022-02-04.

Conditions:
Nemaline myopathy 5 (NEM5A). Also called: NEMALINE MYOPATHY 5A, AUTOSOMAL RECESSIVE, SEVERE INFANTILE; NEMALINE MYOPATHY, AMISH TYPE; Nemaline myopathy 5, Amish type. Identifiers: Orphanet 98902, MedGen C1854380, MONDO:0011539, OMIM 605355.

Allele frequency attached by ClinVar (database versions not stated): gnomAD exomes below 0.00001.
gnomAD v4.1: 1 of 1,614,050 alleles (0.000062%); highest among the groups gnomAD compares: Non-Finnish European, 0.000085%; no homozygotes.

Submissions (2):

Labcorp Genetics (formerly Invitae), Labcorp
Classification: Uncertain significance for Nemaline myopathy 5. Last evaluated: 2022-02-04. Review status: criteria provided, single submitter. Criteria: Invitae Variant Classification Sherloc (09022015). Collection method: clinical testing. Allele origin: germline.
Comment: This sequence change replaces valine, which is neutral and non-polar, with methionine, which is neutral and non-polar, at codon 47 of the TNNT1 protein (p.Val47Met). This variant is not present in population databases (gnomAD no frequency). This variant has not been reported in the literature in individuals affected with TNNT1-related conditions. ClinVar contains an entry for this variant (Variation ID: 663497). Algorithms developed to predict the effect of missense changes on protein structure and function are either unavailable or do not agree on the potential impact of this missense change (SIFT: "Tolerated"; PolyPhen-2: "Not Available"; Align-GVGD: "Class C0"). In summary, the available evidence is currently insufficient to determine the role of this variant in disease. Therefore, it has been classified as a Variant of Uncertain Significance.

Revvity Omics, Revvity
Classification: Uncertain significance. Last evaluated: 2019-12-10. Review status: criteria provided, single submitter. Criteria: ACMG Guidelines, 2015. Collection method: clinical testing. Allele origin: germline.

NM_003283.6(TNNT1):c.139G>A (p.Val47Met)

Gene: TNNT1 (troponin T1, slow skeletal type; minus strand). Cytogenetic location: 19q13.42.
Variant type: single nucleotide variant.
Coding change: c.139G>A on transcript NM_003283.6 (MANE Select); coding-DNA position 139, G replaced by A.
Protein change: p.Val47Met; replaces valine 47 with methionine.
Molecular consequence: missense variant.
Genome position (GRCh38, 1-based): chr19:55,141,910, C>T on the plus strand (G>A on the coding strand, the complement: TNNT1 is on the minus strand). VCF-style: chr19-55141910-C-T. GRCh37 (hg19) VCF-style: chr19-55653278-C-T.
Other names: c.139G>A (NM_003283.4); c.139G>A, p.Val47Met (NM_001126132.3); c.106G>A, p.Val36Met (NM_001126133.3, NM_001291774.2); short protein forms V36M, V47M.
Identifiers: ClinVar variation 663497 (VCV000663497.8), dbSNP rs1599884701, ClinGen allele CA407437128.